The following is an entry in ClinVar:

NM_004982.4(KCNJ8):c.265A>G (p.Ile89Val)

Genes: KCNJ8 (potassium inwardly rectifying channel subfamily J member 8; minus strand), KCNJ8-AS1 (KCNJ8 antisense RNA 1; plus strand). Cytogenetic location: 12p12.1.
Variant type: single nucleotide variant.
Coding change: c.265A>G on transcript NM_004982.4 (MANE Select); coding-DNA position 265, A replaced by G.
Protein change: p.Ile89Val; replaces isoleucine 89 with valine.
Molecular consequence: missense variant.
Genome position (GRCh38, 1-based): chr12:21,773,352, T>C on the plus strand (A>G on the coding strand, the complement: KCNJ8 is on the minus strand). VCF-style: chr12-21773352-T-C. GRCh37 (hg19) VCF-style: chr12-21926286-T-C.
Other names: short protein forms I89V.
Identifiers: ClinVar variation 3113344 (VCV003113344.3), dbSNP rs1940805818, ClinGen allele CA384131120.

ClinVar aggregate classification (germline): Uncertain significance. Review status: criteria provided, multiple submitters, no conflicts (2 of 4 stars). 2 submissions from 2 submitters: Uncertain significance (2). Last evaluated 2025-01-30.

Conditions:
Cardiovascular phenotype. Identifiers: MedGen CN230736.
Brugada syndrome. Also called: Sudden unexpected nocturnal death syndrome; Sudden Unexplained Death Syndrome; Sudden Unexplained Nocturnal Death Syndrome (SUNDS); Sudden unexplained nocturnal death syndrome. Identifiers: Orphanet 130, MedGen C1142166, MONDO:0015263.

Submissions (2):

Labcorp Genetics (formerly Invitae), Labcorp
Classification: Uncertain significance for Brugada syndrome. Last evaluated: 2025-01-30. Review status: criteria provided, single submitter. Criteria: Invitae Variant Classification Sherloc (09022015). Collection method: clinical testing. Allele origin: germline.
Comment: This sequence change replaces isoleucine, which is neutral and non-polar, with valine, which is neutral and non-polar, at codon 89 of the KCNJ8 protein (p.Ile89Val). This variant is not present in population databases (gnomAD no frequency). This variant has not been reported in the literature in individuals affected with KCNJ8-related conditions. ClinVar contains an entry for this variant (Variation ID: 3113344). Invitae Evidence Modeling of protein sequence and biophysical properties (such as structural, functional, and spatial information, amino acid conservation, physicochemical variation, residue mobility, and thermodynamic stability) indicates that this missense variant is not expected to disrupt KCNJ8 protein function with a negative predictive value of 80%. In summary, the available evidence is currently insufficient to determine the role of this variant in disease. Therefore, it has been classified as a Variant of Uncertain Significance.

Ambry Genetics
Classification: Uncertain significance for Cardiovascular phenotype. Last evaluated: 2023-12-27. Review status: criteria provided, single submitter. Criteria: Ambry Variant Classification Scheme 2023. Collection method: clinical testing. Allele origin: germline.